The following is an entry in ClinVar:

ClinVar aggregate classification (germline): Pathogenic (1 of 4 stars; one submission).

Conditions:
Gorlin syndrome. Also called: Basal cell nevus syndrome; Nevoid Basal Cell Carcinoma Syndrome. Identifiers: Orphanet 377, MedGen C0004779, MONDO:0007187.

Submission:

Labcorp Genetics (formerly Invitae), Labcorp
Classification: Pathogenic for Gorlin syndrome. Last evaluated: 2025-02-16. Review status: criteria provided, single submitter. Criteria: Invitae Variant Classification Sherloc (09022015). Collection method: clinical testing. Allele origin: germline.
Comment: This variant, c.1541_1543del, results in the deletion of 1 amino acid(s) of the PTCH1 protein (p.Asp514del), but otherwise preserves the integrity of the reading frame. This variant is not present in population databases (gnomAD no frequency). This variant has been observed in individuals with nevoid basal cell carcinoma syndrome (PMID: 18272036; internal data). It has also been observed to segregate with disease in related individuals. Experimental studies and prediction algorithms are not available or were not evaluated, and the functional significance of this variant is currently unknown. For these reasons, this variant has been classified as Pathogenic.

Literature cited by the submitters: PubMed 18272036.

NM_000264.5(PTCH1):c.1538ATG[1] (p.Asp514del)

Gene: PTCH1 (patched 1; minus strand). Cytogenetic location: 9q22.32.
Variant type: Microsatellite.
Coding change: c.1538ATG[1] on transcript NM_000264.5 (MANE Select); one copy of the 3-base unit ATG starting at c.1538; the reference has two copies in a row; one copy, 3 bases deleted.
Protein change: p.Asp514del; deletes aspartic acid 514.
Molecular consequence: inframe deletion. On other transcripts: non-coding transcript variant (1).
Genome position (GRCh38, 1-based): chr9:95,476,818-95,476,820, CAT deleted on the plus strand (ATG on the coding strand, the reverse complement: PTCH1 is on the minus strand); deleting any 3 consecutive bases within chr9:95,476,818-95,476,824 gives the same sequence; the position shown is the placement nearest the transcript's 3' end. VCF-style (leftmost placement, unchanged base first): chr9-95476817-ACAT-A. GRCh37 (hg19) VCF-style: chr9-98239099-ACAT-A.
Other names: c.1085ATG[1], p.Asp363del (NM_001083606.3, NM_001083607.3, NM_001083604.3 and 1 more transcripts); c.1382ATG[1], p.Asp462del (NM_001354918.2); c.1340ATG[1], p.Asp448del (NM_001083602.3); c.1535ATG[1], p.Asp513del (NM_001083603.3); short protein forms D363del, D448del, D462del, D513del, D514del.
Identifiers: ClinVar variation 1072732 (VCV001072732.9), dbSNP rs2118283647, ClinGen allele CA2573332674.